The following is an entry in ClinVar:

NM_000532.5(PCCB):c.743A>G (p.Lys248Arg)

Gene: PCCB (propionyl-CoA carboxylase subunit beta; plus strand). Cytogenetic location: 3q22.3.
Variant type: single nucleotide variant.
Coding change: c.743A>G on transcript NM_000532.5 (MANE Select); coding-DNA position 743, A replaced by G.
Protein change: p.Lys248Arg; replaces lysine 248 with arginine.
Molecular consequence: missense variant.
Genome position (GRCh38, 1-based): chr3:136,293,844, A>G. VCF-style: chr3-136293844-A-G. GRCh37 (hg19) VCF-style: chr3-136012686-A-G.
Other names: c.803A>G, p.Lys268Arg (NM_001178014.2); short protein forms K268R, K248R.
Identifiers: ClinVar variation 1420630 (VCV001420630.5), dbSNP rs1365706286, ClinGen allele CA354643700.

ClinVar aggregate classification (germline): Uncertain significance (1 of 4 stars; one submission).

Conditions:
Propionic acidemia (PROP). Also called: GLYCINEMIA, KETOTIC; HYPERGLYCINEMIA WITH KETOACIDOSIS AND LEUKOPENIA; KETOTIC HYPERGLYCINEMIA. Identifiers: Orphanet 35, MedGen C0268579, MONDO:0011628, OMIM 606054, HP:0003571.

Allele frequency attached by ClinVar (database versions not stated): gnomAD exomes below 0.00001; gnomAD 0.00001; TOPMed 0.00001.

Submission:

Labcorp Genetics (formerly Invitae), Labcorp
Classification: Uncertain significance for Propionic acidemia. Last evaluated: 2021-09-02. Review status: criteria provided, single submitter. Criteria: Invitae Variant Classification Sherloc (09022015). Collection method: clinical testing. Allele origin: germline.
Comment: This sequence change replaces lysine with arginine at codon 248 of the PCCB protein (p.Lys248Arg). The lysine residue is highly conserved and there is a small physicochemical difference between lysine and arginine. This variant is not present in population databases (ExAC no frequency). This variant has not been reported in the literature in individuals affected with PCCB-related conditions. Advanced modeling of protein sequence and biophysical properties (such as structural, functional, and spatial information, amino acid conservation, physicochemical variation, residue mobility, and thermodynamic stability) performed at Invitae indicates that this missense variant is not expected to disrupt PCCB protein function. In summary, the available evidence is currently insufficient to determine the role of this variant in disease. Therefore, it has been classified as a Variant of Uncertain Significance.